The following is an entry in ClinVar:

ClinVar aggregate classification (germline): Likely benign. Review status: criteria provided, multiple submitters, no conflicts (2 of 4 stars). 3 submissions from 3 submitters: Likely benign (3). Last evaluated 2026-05-23.

Conditions:
ADGRV1-related disorder. Also called: ADGRV1-related disorders; ADGRV1-related condition.

Allele frequency attached by ClinVar (database versions not stated): gnomAD exomes 0.00001; ExAC 0.00003; gnomAD 0.00003; TOPMed 0.00007.
gnomAD v4.1: 23 of 1,612,714 alleles (0.0014%); highest among the groups gnomAD compares: African/African-American, 0.008%; no homozygotes.

Submissions (3):

PreventionGenetics, part of Exact Sciences
Classification: Likely benign for ADGRV1-related condition. Last evaluated: 2026-05-23. Review status: criteria provided, single submitter. Criteria: ACMG Guidelines, 2015. Collection method: clinical testing. Allele origin: germline.
Comment: This variant is classified as likely benign based on ACMG/AMP sequence variant interpretation guidelines (Richards et al. 2015 PMID: 25741868, with internal and published modifications).

Labcorp Genetics (formerly Invitae), Labcorp
Classification: Likely benign. Last evaluated: 2026-01-27. Review status: criteria provided, single submitter. Criteria: Invitae Variant Classification Sherloc (09022015). Collection method: clinical testing. Allele origin: germline.

Blueprint Genetics
Classification: Likely benign. Last evaluated: 2022-02-01. Review status: criteria provided, single submitter. Criteria: ACMG Guidelines, 2015. Collection method: clinical testing. Allele origin: germline.

NM_032119.4(ADGRV1):c.1242T>C (p.Tyr414=)

Gene: ADGRV1 (adhesion G protein-coupled receptor V1; plus strand). Cytogenetic location: 5q14.3.
Variant type: single nucleotide variant.
Coding change: c.1242T>C on transcript NM_032119.4 (MANE Select); coding-DNA position 1242, T replaced by C.
Protein change: p.Tyr414=; no amino-acid change (tyrosine 414 retained).
Molecular consequence: synonymous variant. On other transcripts: non-coding transcript variant (1).
Genome position (GRCh38, 1-based): chr5:90,628,565, T>C. VCF-style: chr5-90628565-T-C. GRCh37 (hg19) VCF-style: chr5-89924382-T-C.
Other names: c.1242T>C (NM_032119.3).
Identifiers: ClinVar variation 1905662 (VCV001905662.7), dbSNP rs745906987, ClinGen allele CA3338654.